The following is an entry in ClinVar:

NM_005236.3(ERCC4):c.409C>G (p.His137Asp)

Gene: ERCC4 (ERCC excision repair 4, endonuclease catalytic subunit; plus strand). Cytogenetic location: 16p13.12.
Variant type: single nucleotide variant.
Coding change: c.409C>G on transcript NM_005236.3 (MANE Select); coding-DNA position 409, C replaced by G.
Protein change: p.His137Asp; replaces histidine 137 with aspartic acid.
Molecular consequence: missense variant.
Genome position (GRCh38, 1-based): chr16:13,926,581, C>G. VCF-style: chr16-13926581-C-G. GRCh37 (hg19) VCF-style: chr16-14020438-C-G.
Other names: short protein forms H137D.
Identifiers: ClinVar variation 1938950 (VCV001938950.4), dbSNP rs2032076033, ClinGen allele CA394819573.

ClinVar aggregate classification (germline): Uncertain significance (1 of 4 stars; one submission).

Conditions:
Xeroderma pigmentosum, group F (XPF). Also called: XERODERMA PIGMENTOSUM, TYPE F; Xeroderma pigmentosum, type 6; XERODERMA PIGMENTOSUM VI; XP, GROUP F; XERODERMA PIGMENTOSUM, COMPLEMENTATION GROUP F; ERCC4-Related Xeroderma Pigmentosum. Identifiers: MedGen C0268140, MONDO:0010215, OMIM 278760.
Fanconi anemia complementation group Q. Identifiers: Orphanet 84, MedGen C3808988, MONDO:0014108, OMIM 615272.
Cockayne syndrome. Identifiers: Orphanet 191, MedGen C0009207, MONDO:0016006.

Allele frequency attached by ClinVar (database versions not stated): gnomAD exomes below 0.00001; gnomAD 0.00001; TOPMed 0.00001.
gnomAD v4.1: 9 of 1,613,936 alleles (0.00056%); highest among the groups gnomAD compares: African/African-American, 0.0013%; no homozygotes.

Submission:

Labcorp Genetics (formerly Invitae), Labcorp
Classification: Uncertain significance for Fanconi anemia complementation group Q; Xeroderma pigmentosum, group F; Cockayne syndrome. Last evaluated: 2022-03-28. Review status: criteria provided, single submitter. Criteria: Invitae Variant Classification Sherloc (09022015). Collection method: clinical testing. Allele origin: germline.
Comment: In summary, the available evidence is currently insufficient to determine the role of this variant in disease. Therefore, it has been classified as a Variant of Uncertain Significance. Algorithms developed to predict the effect of missense changes on protein structure and function are either unavailable or do not agree on the potential impact of this missense change (SIFT: "Tolerated"; PolyPhen-2: "Probably Damaging"; Align-GVGD: "Class C0"). This sequence change replaces histidine, which is basic and polar, with aspartic acid, which is acidic and polar, at codon 137 of the ERCC4 protein (p.His137Asp). This variant is not present in population databases (gnomAD no frequency). This variant has not been reported in the literature in individuals affected with ERCC4-related conditions.